The following is an entry in ClinVar:

ClinVar aggregate classification (germline): Uncertain significance. Review status: criteria provided, multiple submitters, no conflicts (2 of 4 stars). 2 submissions from 2 submitters: Uncertain significance (2). Last evaluated 2024-11-02.

Conditions:
Cardiovascular phenotype. Identifiers: MedGen CN230736.

gnomAD v4.1: 2 of 1,614,188 alleles (0.00012%); highest among the groups gnomAD compares: Admixed American, 0.0017%; no homozygotes.

Submissions (2):

Ambry Genetics
Classification: Uncertain significance for Cardiovascular phenotype. Last evaluated: 2024-11-02. Review status: criteria provided, single submitter. Criteria: Ambry Variant Classification Scheme 2023. Collection method: clinical testing. Allele origin: germline.
Comment: The p.V538M variant (also known as c.1612G>A), located in coding exon 11 of the ABCG8 gene, results from a G to A substitution at nucleotide position 1612. The valine at codon 538 is replaced by methionine, an amino acid with highly similar properties. This amino acid position is conserved. In addition, this alteration is predicted to be tolerated by in silico analysis. Based on the available evidence, the clinical significance of this variant remains unclear.

Labcorp Genetics (formerly Invitae), Labcorp
Classification: Uncertain significance. Last evaluated: 2024-03-14. Review status: criteria provided, single submitter. Criteria: Invitae Variant Classification Sherloc (09022015). Collection method: clinical testing. Allele origin: germline.
Comment: This sequence change replaces valine, which is neutral and non-polar, with methionine, which is neutral and non-polar, at codon 538 of the ABCG8 protein (p.Val538Met). This variant is present in population databases (rs760447217, gnomAD 0.003%). This variant has not been reported in the literature in individuals affected with ABCG8-related conditions. Advanced modeling of protein sequence and biophysical properties (such as structural, functional, and spatial information, amino acid conservation, physicochemical variation, residue mobility, and thermodynamic stability) performed at Invitae indicates that this missense variant is not expected to disrupt ABCG8 protein function with a negative predictive value of 80%. Algorithms developed to predict the effect of sequence changes on RNA splicing suggest that this variant may create or strengthen a splice site. In summary, the available evidence is currently insufficient to determine the role of this variant in disease. Therefore, it has been classified as a Variant of Uncertain Significance.

NM_022437.3(ABCG8):c.1612G>A (p.Val538Met)

Gene: ABCG8 (ATP binding cassette subfamily G member 8; plus strand). Cytogenetic location: 2p21.
Variant type: single nucleotide variant.
Coding change: c.1612G>A on transcript NM_022437.3 (MANE Select); coding-DNA position 1612, G replaced by A.
Protein change: p.Val538Met; replaces valine 538 with methionine.
Molecular consequence: missense variant.
Genome position (GRCh38, 1-based): chr2:43,875,269, G>A. VCF-style: chr2-43875269-G-A. GRCh37 (hg19) VCF-style: chr2-44102408-G-A.
Other names: c.1609G>A, p.Val537Met (NM_001357321.2); short protein forms V538M, V537M.
Identifiers: ClinVar variation 3420235 (VCV003420235.3).